The following is an entry in ClinVar:

NM_152419.3(HGSNAT):c.43_44delinsTT (p.Ala15Leu)

Genes: HGSNAT (heparan-alpha-glucosaminide N-acetyltransferase; plus strand), LOC130000316 (ATAC-STARR-seq lymphoblastoid silent region 19164; plus strand). Cytogenetic location: 8p11.21.
Variant type: Indel.
Coding change: c.43_44delinsTT on transcript NM_152419.3 (MANE Select); coding-DNA positions 43 to 44, GC replaced by TT.
Protein change: p.Ala15Leu; replaces alanine 15 with leucine.
Molecular consequence: missense variant. On other transcripts: 5 prime UTR variant (1).
Genome position (GRCh38, 1-based): chr8:43,140,539-43,140,540, GC replaced by TT. VCF-style: chr8-43140539-GC-TT. GRCh37 (hg19) VCF-style: chr8-42995682-GC-TT.
Other names: c.43_44delinsTT, p.Ala15Leu (NM_001363227.2, NM_001363228.2); c.-791_-790delinsTT (NM_001363229.2); short protein forms A15L.
Identifiers: ClinVar variation 1357367 (VCV001357367.6), dbSNP rs2130647901, ClinGen allele CA2573143098.

ClinVar aggregate classification (germline): Uncertain significance (1 of 4 stars; one submission).

Conditions:
Retinitis pigmentosa 73 (RP73). Identifiers: Orphanet 791, MedGen C4225287, MONDO:0014687, OMIM 616544.
Mucopolysaccharidosis, MPS-III-C (MPS3C). Also called: MPS IIIC (Sanfilippo Syndrome Type C); MUCOPOLYSACCHARIDOSIS, TYPE IIIC; Mucopolysaccharidosis type IIIC (Sanfilippo C); SANFILIPPO SYNDROME C; MPS III C; mucopolysaccharidosis type 3C. Identifiers: Orphanet 581, Orphanet 79271, MedGen C0086649, MONDO:0009657, OMIM 252930.

Submission:

Labcorp Genetics (formerly Invitae), Labcorp
Classification: Uncertain significance for Retinitis pigmentosa 73; Mucopolysaccharidosis, MPS-III-C. Last evaluated: 2022-06-13. Review status: criteria provided, single submitter. Criteria: Invitae Variant Classification Sherloc (09022015). Collection method: clinical testing. Allele origin: germline.
Comment: In summary, the available evidence is currently insufficient to determine the role of this variant in disease. Therefore, it has been classified as a Variant of Uncertain Significance. Experimental studies and prediction algorithms are not available or were not evaluated, and the functional significance of this variant is currently unknown. This variant has not been reported in the literature in individuals affected with HGSNAT-related conditions. Information on the frequency of this variant in the gnomAD database is not available, as this variant may be reported differently in the database. This sequence change replaces alanine, which is neutral and non-polar, with leucine, which is neutral and non-polar, at codon 15 of the HGSNAT protein (p.Ala15Leu).